The following is an entry in ClinVar:

NM_001134363.3(RBM20):c.3167C>T (p.Ala1056Val)

Gene: RBM20 (RNA binding motif protein 20; plus strand). Cytogenetic location: 10q25.2.
Variant type: single nucleotide variant.
Coding change: c.3167C>T on transcript NM_001134363.3 (MANE Select); coding-DNA position 3167, C replaced by T.
Protein change: p.Ala1056Val; replaces alanine 1056 with valine.
Molecular consequence: missense variant.
Genome position (GRCh38, 1-based): chr10:110,821,786, C>T. VCF-style: chr10-110821786-C-T. GRCh37 (hg19) VCF-style: chr10-112581544-C-T.
Other names: short protein forms A1056V.
Identifiers: ClinVar variation 643675 (VCV000643675.10), dbSNP rs947120934, ClinGen allele CA213229775.
Genomic context (GRCh38, chr10:110,821,786, plus strand): 5'-ATGTTCATCCAGCCCCTACAGTCCAGCAAATGTCTTCCCCTAAGCCAGCAGAGGAGAGGG[C>T]CCGGCAGCCAAGCCCATTTGTGGATGATTGCAAGACCAGGGGGACCCCCGAAGATGGGGC-3'
Protein context (NP_001127835.2, residues 1046-1066): MSSPKPAEER[Ala1056Val]RQPSPFVDDC

ClinVar aggregate classification (germline): Uncertain significance (1 of 4 stars; one submission).

Conditions:
Dilated cardiomyopathy 1DD (CMD1DD). Identifiers: Orphanet 154, MedGen C2750995, MONDO:0013168, OMIM 613172.

Allele frequency attached by ClinVar (database versions not stated): TOPMed below 0.00001; gnomAD 0.00001.
gnomAD v4.1: 1 of 1,551,648 alleles (0.000064%); highest among the groups gnomAD compares: African/African-American, 0.0014%; no homozygotes.

Submission:

Labcorp Genetics (formerly Invitae), Labcorp
Classification: Uncertain significance for Dilated cardiomyopathy 1DD. Last evaluated: 2019-01-25. Review status: criteria provided, single submitter. Criteria: Invitae Variant Classification Sherloc (09022015). Collection method: clinical testing. Allele origin: germline.
Comment: In summary, the available evidence is currently insufficient to determine the role of this variant in disease. Therefore, it has been classified as a Variant of Uncertain Significance. Algorithms developed to predict the effect of missense changes on protein structure and function output the following: SIFT: "Deleterious"; PolyPhen-2: "Benign"; Align-GVGD: "Class C0". The valine amino acid residue is found in multiple mammalian species, suggesting that this missense change does not adversely affect protein function. These predictions have not been confirmed by published functional studies and their clinical significance is uncertain. This variant has not been reported in the literature in individuals with RBM20-related disease. This variant is not present in population databases (ExAC no frequency). This sequence change replaces alanine with valine at codon 1056 of the RBM20 protein (p.Ala1056Val). The alanine residue is moderately conserved and there is a small physicochemical difference between alanine and valine.